The following is an entry in ClinVar:

NM_021098.3(CACNA1H):c.5198C>T (p.Thr1733Met)

Gene: CACNA1H (calcium voltage-gated channel subunit alpha1 H; plus strand). Cytogenetic location: 16p13.3.
Variant type: single nucleotide variant.
Coding change: c.5198C>T on transcript NM_021098.3 (MANE Select); coding-DNA position 5198, C replaced by T.
Protein change: p.Thr1733Met; replaces threonine 1733 with methionine.
Molecular consequence: missense variant.
Genome position (GRCh38, 1-based): chr16:1,215,547, C>T. VCF-style: chr16-1215547-C-T. GRCh37 (hg19) VCF-style: chr16-1265547-C-T.
Other names: c.5180C>T, p.Thr1727Met (NM_001005407.2); short protein forms T1733M, T1727M.
Identifiers: ClinVar variation 1349729 (VCV001349729.8), dbSNP rs764098313, ClinGen allele CA7801868.

ClinVar aggregate classification (germline): Uncertain significance (1 of 4 stars; one submission).

Conditions:
Idiopathic generalized epilepsy. Also called: EIG; Generalised epilepsy. Identifiers: MedGen C0270850, MONDO:0005579, OMIM 600669.
Hyperaldosteronism, familial, type IV (HALD4). Also called: FH IV; ALDOSTERONISM, PRIMARY, AND HYPERTENSION. Identifiers: Orphanet 642671, MedGen C4310756, MONDO:0014875, OMIM 617027.

Allele frequency attached by ClinVar (database versions not stated): gnomAD exomes 0.00001; ExAC 0.00002.
gnomAD v4.1: 16 of 1,611,818 alleles (0.00099%); highest among the groups gnomAD compares: East Asian, 0.0022%; no homozygotes.

Submission:

Labcorp Genetics (formerly Invitae), Labcorp
Classification: Uncertain significance for Idiopathic generalized epilepsy; Hyperaldosteronism, familial, type IV. Last evaluated: 2024-04-30. Review status: criteria provided, single submitter. Criteria: Invitae Variant Classification Sherloc (09022015). Collection method: clinical testing. Allele origin: germline.
Comment: This sequence change replaces threonine, which is neutral and polar, with methionine, which is neutral and non-polar, at codon 1733 of the CACNA1H protein (p.Thr1733Met). This variant is present in population databases (rs764098313, gnomAD 0.003%). This variant has not been reported in the literature in individuals affected with CACNA1H-related conditions. ClinVar contains an entry for this variant (Variation ID: 1349729). Advanced modeling of protein sequence and biophysical properties (such as structural, functional, and spatial information, amino acid conservation, physicochemical variation, residue mobility, and thermodynamic stability) has been performed at Invitae for this missense variant, however the output from this modeling did not meet the statistical confidence thresholds required to predict the impact of this variant on CACNA1H protein function. In summary, the available evidence is currently insufficient to determine the role of this variant in disease. Therefore, it has been classified as a Variant of Uncertain Significance.